The following is an entry in ClinVar:

NM_006231.4(POLE):c.3776C>T (p.Pro1259Leu)

Gene: POLE (DNA polymerase epsilon, catalytic subunit; minus strand). Cytogenetic location: 12q24.33.
Variant type: single nucleotide variant.
Coding change: c.3776C>T on transcript NM_006231.4 (MANE Select); coding-DNA position 3776, C replaced by T.
Protein change: p.Pro1259Leu; replaces proline 1259 with leucine.
Molecular consequence: missense variant.
Genome position (GRCh38, 1-based): chr12:132,649,696, G>A on the plus strand (C>T on the coding strand, the complement: POLE is on the minus strand). VCF-style: chr12-132649696-G-A. GRCh37 (hg19) VCF-style: chr12-133226282-G-A.
Other names: short protein forms P1259L.
Identifiers: ClinVar variation 1714806 (VCV001714806.5), dbSNP rs2138612595, ClinGen allele CA387385973.
Genomic context (GRCh38, chr12:132,649,696, plus strand): 5'-GACCCCTCAGAGACAGACAGTATCACAGCTGTGTGCCTTACCTGGCTGGTTCCCAGGGCG[G>A]GAGGCTGCCCCAAGATTTCCTGCCAGGGCACAGTCGGCGTGAGGTCCTGGGACTCCTCCT-3'
Protein context (NP_006222.2, residues 1249-1269): VPWQEILGQP[Pro1259Leu]ALGTSQEEWL

ClinVar aggregate classification (germline): Uncertain significance (1 of 4 stars; one submission).

Submission:

Labcorp Genetics (formerly Invitae), Labcorp
Classification: Uncertain significance. Last evaluated: 2022-08-02. Review status: criteria provided, single submitter. Criteria: Invitae Variant Classification Sherloc (09022015). Collection method: clinical testing. Allele origin: germline.
Comment: In summary, the available evidence is currently insufficient to determine the role of this variant in disease. Therefore, it has been classified as a Variant of Uncertain Significance. Algorithms developed to predict the effect of missense changes on protein structure and function are either unavailable or do not agree on the potential impact of this missense change (SIFT: "Deleterious"; PolyPhen-2: "Probably Damaging"; Align-GVGD: "Class C0"). This variant has not been reported in the literature in individuals affected with POLE-related conditions. This variant is not present in population databases (gnomAD no frequency). This sequence change replaces proline, which is neutral and non-polar, with leucine, which is neutral and non-polar, at codon 1259 of the POLE protein (p.Pro1259Leu).